The following is an entry in ClinVar:

ClinVar aggregate classification (germline): Pathogenic (1 of 4 stars; one submission).

Conditions:
Autosomal recessive limb-girdle muscular dystrophy type 2D (LGMDR3). Also called: MUSCULAR DYSTROPHY, LIMB-GIRDLE, AUTOSOMAL RECESSIVE 3; ADHALINOPATHY, PRIMARY; DUCHENNE-LIKE AUTOSOMAL RECESSIVE MUSCULAR DYSTROPHY, TYPE 2. Identifiers: Orphanet 62, MedGen C2936332, MONDO:0011968, OMIM 608099. Disease mechanism: Affects gamma-sarcoglycan and also disrupts the integrity of the entire sarcoglycan complex..

Submission:

Labcorp Genetics (formerly Invitae), Labcorp
Classification: Pathogenic for Autosomal recessive limb-girdle muscular dystrophy type 2D. Last evaluated: 2024-02-03. Review status: criteria provided, single submitter. Criteria: Invitae Variant Classification Sherloc (09022015). Collection method: clinical testing. Allele origin: germline.
Comment: This sequence change creates a premature translational stop signal (p.Arg184Valfs*27) in the SGCA gene. It is expected to result in an absent or disrupted protein product. Loss-of-function variants in SGCA are known to be pathogenic (PMID: 9192266). This variant is not present in population databases (gnomAD no frequency). This variant has not been reported in the literature in individuals affected with SGCA-related conditions. For these reasons, this variant has been classified as Pathogenic.

Literature cited by the submitters: PubMed 9192266.

NM_000023.4(SGCA):c.550del (p.Arg184fs)

Gene: SGCA (sarcoglycan alpha; plus strand). Cytogenetic location: 17q21.33.
Variant type: Deletion.
Coding change: c.550del on transcript NM_000023.4 (MANE Select); coding-DNA position 550, one base deleted (C; older notation c.550delC).
Protein change: p.Arg184fs; shifts the reading frame from arginine 184.
Molecular consequence: frameshift variant. On other transcripts: non-coding transcript variant (1).
Genome position (GRCh38, 1-based): chr17:50,168,538, C deleted; the last of 2 consecutive C bases (chr17:50,168,537-50,168,538); deleting either gives the same sequence. VCF-style (leftmost placement, unchanged base first): chr17-50168536-GC-G. GRCh37 (hg19) VCF-style: chr17-48245897-GC-G.
Other names: c.550del, p.Arg184fs (NM_001135697.3); short protein forms R184fs.
Identifiers: ClinVar variation 3685857 (VCV003685857.2).